The following is an entry in ClinVar:

ClinVar aggregate classification (germline): Likely benign. Review status: criteria provided, single submitter (1 of 4 stars). 2 submissions from 2 submitters: Likely benign (1). 1 of the submissions does not count toward it. Last evaluated 2024-02-15.

Conditions:
Deficiency of malonyl-CoA decarboxylase. Also called: Malonic aciduria; MCD deficiency. Identifiers: Orphanet 943, MedGen C0342793, MONDO:0009556, OMIM 248360.
MLYCD-related disorder. Also called: MLYCD-related condition.

Allele frequency attached by ClinVar (database versions not stated): gnomAD 0.00002; TOPMed 0.00003.

Submissions (2):

Labcorp Genetics (formerly Invitae), Labcorp
Classification: Likely benign for Deficiency of malonyl-CoA decarboxylase. Last evaluated: 2024-02-15. Review status: criteria provided, single submitter. Criteria: Invitae Variant Classification Sherloc (09022015). Collection method: clinical testing. Allele origin: germline.

PreventionGenetics, part of Exact Sciences
Classification: Likely benign for MLYCD-related condition. Last evaluated: 2023-05-26. Review status: no assertion criteria provided. Collection method: clinical testing. Allele origin: germline. Not counted in ClinVar's aggregate classification.
Comment: This variant is classified as likely benign based on ACMG/AMP sequence variant interpretation guidelines (Richards et al. 2015 PMID: 25741868, with internal and published modifications).

NM_012213.3(MLYCD):c.861C>T (p.Ile287=)

Genes: MLYCD (malonyl-CoA decarboxylase; plus strand), LOC126862422 (CDK7 strongly-dependent group 2 enhancer GRCh37_chr16:83945234-83946433; plus strand). Cytogenetic location: 16q23.3.
Variant type: single nucleotide variant.
Coding change: c.861C>T on transcript NM_012213.3 (MANE Select); coding-DNA position 861, C replaced by T.
Protein change: p.Ile287=; no amino-acid change (isoleucine 287 retained).
Molecular consequence: synonymous variant.
Genome position (GRCh38, 1-based): chr16:83,912,280, C>T. VCF-style: chr16-83912280-C-T. GRCh37 (hg19) VCF-style: chr16-83945885-C-T.
Identifiers: ClinVar variation 2738036 (VCV002738036.5), dbSNP rs957509653, ClinGen allele CA285428954.